The following is an entry in ClinVar:

ClinVar aggregate classification (germline): Uncertain significance (1 of 4 stars; one submission).

Conditions:
Tuberous sclerosis 2 (TSC2). Identifiers: Orphanet 805, MedGen C1860707, MONDO:0013199, OMIM 613254.

Submission:

Labcorp Genetics (formerly Invitae), Labcorp
Classification: Uncertain significance for Tuberous sclerosis 2. Last evaluated: 2020-02-17. Review status: criteria provided, single submitter. Criteria: Invitae Variant Classification Sherloc (09022015). Collection method: clinical testing. Allele origin: germline.
Comment: In summary, the available evidence is currently insufficient to determine the role of this variant in disease. Therefore, it has been classified as a Variant of Uncertain Significance. Nucleotide substitutions within the consensus splice site are a relatively common cause of aberrant splicing (PMID: 17576681, 9536098). Algorithms developed to predict the effect of sequence changes on RNA splicing suggest that this variant may disrupt the consensus splice site, but this prediction has not been confirmed by published transcriptional studies. Algorithms developed to predict the effect of missense changes on protein structure and function are either unavailable or do not agree on the potential impact of this missense change (SIFT: "Tolerated"; PolyPhen-2: "Probably Damaging"; Align-GVGD: "Class C0"). This variant has not been reported in the literature in individuals with TSC2-related conditions. This variant is not present in population databases (ExAC no frequency). This sequence change replaces valine with leucine at codon 1272 of the TSC2 protein (p.Val1272Leu). The valine residue is moderately conserved and there is a small physicochemical difference between valine and leucine. This variant also falls at the last nucleotide of exon 31 of the TSC2 coding sequence, which is part of the consensus splice site for this exon.

Literature cited by the submitters: PubMed 17576681; PubMed 9536098.

NM_000548.5(TSC2):c.3814G>C (p.Val1272Leu)

Gene: TSC2 (TSC complex subunit 2; plus strand). Cytogenetic location: 16p13.3.
Variant type: single nucleotide variant.
Coding change: c.3814G>C on transcript NM_000548.5 (MANE Select); coding-DNA position 3814, G replaced by C.
Protein change: p.Val1272Leu; replaces valine 1272 with leucine.
Molecular consequence: missense variant.
Genome position (GRCh38, 1-based): chr16:2,081,798, G>C. VCF-style: chr16-2081798-G-C. GRCh37 (hg19) VCF-style: chr16-2131799-G-C.
Other names: c.3682G>C, p.Asp1228His (NM_001077183.3); c.3814G>C, p.Asp1272His (NM_001114382.3); c.3574G>C, p.Asp1192His (NM_001318827.2); c.3538G>C, p.Asp1180His (NM_001318829.2); c.3082G>C, p.Val1028Leu (NM_001318831.2); c.3715G>C, p.Asp1239His (NM_001318832.2); c.3685G>C, p.Asp1229His (NM_001363528.2); c.3682G>C, p.Val1228Leu (NM_001370404.1); and 1 more; short protein forms D1180H, D1192H, D1228H, D1229H, D1239H, D1272H, V1028L, V1228L.
Identifiers: ClinVar variation 999086 (VCV000999086.9), dbSNP rs2090175224, ClinGen allele CA394293677.